The following is an entry in ClinVar:

NM_152783.5(D2HGDH):c.1414G>A (p.Val472Ile)

Gene: D2HGDH (D-2-hydroxyglutarate dehydrogenase; plus strand). Cytogenetic location: 2q37.3.
Variant type: single nucleotide variant.
Coding change: c.1414G>A on transcript NM_152783.5 (MANE Select); coding-DNA position 1414, G replaced by A.
Protein change: p.Val472Ile; replaces valine 472 with isoleucine.
Molecular consequence: missense variant. On other transcripts: non-coding transcript variant (1).
Genome position (GRCh38, 1-based): chr2:241,767,817, G>A. VCF-style: chr2-241767817-G-A. GRCh37 (hg19) VCF-style: chr2-242707232-G-A.
Other names: c.1012G>A, p.Val338Ile (NM_001287249.2); c.853G>A, p.Val285Ile (NM_001352824.2); short protein forms V285I, V338I, V472I.
Identifiers: ClinVar variation 3375043 (VCV003375043.1).

ClinVar aggregate classification (germline): Uncertain significance (1 of 4 stars; one submission).

gnomAD v4.1: 57 of 1,612,440 alleles (0.0035%); highest among the groups gnomAD compares: South Asian, 0.035%; no homozygotes.

Submission:

Women's Health and Genetics/Laboratory Corporation of America, LabCorp
Classification: Uncertain significance. Last evaluated: 2024-09-04. Review status: criteria provided, single submitter. Criteria: LabCorp Variant Classification Summary - May 2015. Collection method: clinical testing. Allele origin: germline.
Comment: Variant summary: D2HGDH c.1414G>A (p.Val472Ile) results in a conservative amino acid change located in the FAD-binding oxidoreductase/transferase, type 4, C-terminal domain (IPR004113) of the encoded protein sequence. Four of five in-silico tools predict a benign effect of the variant on protein function. The variant allele was found at a frequency of 7e-05 in 244594 control chromosomes. This frequency is not significantly higher than estimated for a pathogenic variant in D2HGDH causing D-2 Hydroxyglutaric Aciduria 1, allowing no conclusion about variant significance. To our knowledge, no occurrence of c.1414G>A in individuals affected with D-2 Hydroxyglutaric Aciduria 1 and no experimental evidence demonstrating its impact on protein function have been reported. No submitters have cited clinical-significance assessments for this variant to ClinVar. Based on the evidence outlined above, the variant was classified as uncertain significance.